The following is an entry in ClinVar:

NM_000051.4(ATM):c.192del (p.Leu64fs)

Gene: ATM (ATM serine/threonine kinase; plus strand). Cytogenetic location: 11q22.3.
Variant type: Deletion.
Coding change: c.192del on transcript NM_000051.4 (MANE Select); coding-DNA position 192, one base deleted (A; older notation c.192delA).
Protein change: p.Leu64fs; shifts the reading frame from leucine 64.
Molecular consequence: frameshift variant.
Genome position (GRCh38, 1-based): chr11:108,229,184, A deleted. VCF-style (leftmost placement, unchanged base first): chr11-108229183-TA-T. GRCh37 (hg19) VCF-style: chr11-108099910-TA-T.
Other names: c.192delA (NM_000051.3); c.192del, p.Leu64fs (NM_001351834.2, NM_001351835.2, NM_001351836.2); short protein forms L64fs.
Identifiers: ClinVar variation 236681 (VCV000236681.19), dbSNP rs878853490, ClinGen allele CA10582781.

ClinVar aggregate classification (germline): Pathogenic/Likely pathogenic. Review status: criteria provided, multiple submitters, no conflicts (2 of 4 stars). 6 submissions from 6 submitters: Pathogenic (3); Likely pathogenic (2). 1 of the submissions does not count toward it. Last evaluated 2025-11-18.

Conditions:
Hereditary cancer-predisposing syndrome. Also called: Tumor predisposition; Hereditary Cancer Syndrome; Hereditary neoplastic syndrome; Neoplastic Syndromes, Hereditary. Identifiers: Orphanet 140162, MedGen C0027672, MeSH D009386, MONDO:0015356.
Familial cancer of breast. Also called: hereditary breast carcinoma; BREAST CANCER, FAMILIAL; Hereditary breast cancer. Identifiers: Orphanet 227535, MedGen C0346153, MONDO:0016419, OMIM 114480. Disease mechanism: loss of function.
Ataxia-telangiectasia syndrome (AT). Also called: Ataxia telangiectasia (A-T); LOUIS-BAR SYNDROME; Cerebello-oculocutaneous telangiectasia; Immunodeficiency with ataxia telangiectasia; ATAXIA-TELANGIECTASIA, COMPLEMENTATION GROUP A; ATAXIA-TELANGIECTASIA, FRESNO VARIANT. Identifiers: Orphanet 100, MedGen C0004135, MONDO:0008840, OMIM 208900.

Submissions (6):

Labcorp Genetics (formerly Invitae), Labcorp
Classification: Pathogenic for Ataxia-telangiectasia syndrome. Last evaluated: 2025-11-18. Review status: criteria provided, single submitter. Criteria: Invitae Variant Classification Sherloc (09022015). Collection method: clinical testing. Allele origin: germline.
Comment: This sequence change creates a premature translational stop signal (p.Leu64Phefs*12) in the ATM gene. It is expected to result in an absent or disrupted protein product. Loss-of-function variants in ATM are known to be pathogenic (PMID: 23807571, 25614872). This variant is not present in population databases (gnomAD no frequency). This variant has not been reported in the literature in individuals affected with ATM-related conditions. ClinVar contains an entry for this variant (Variation ID: 236681). For these reasons, this variant has been classified as Pathogenic.

Myriad Genetics, Inc.
Classification: Pathogenic for Familial cancer of breast. Last evaluated: 2024-01-09. Review status: criteria provided, single submitter. Criteria: Myriad Autosomal Dominant, Autosomal Recessive and X-Linked Classification Criteria (2023). Collection method: clinical testing. Allele origin: unknown.
Comment: This variant is considered pathogenic. This variant creates a frameshift predicted to result in premature protein truncation.

Baylor Genetics
Classification: Likely pathogenic for Familial cancer of breast. Last evaluated: 2023-01-24. Review status: criteria provided, single submitter. Criteria: ACMG Guidelines, 2015. Collection method: clinical testing. Allele origin: unknown.

Ambry Genetics
Classification: Pathogenic for Hereditary cancer-predisposing syndrome. Last evaluated: 2023-01-03. Review status: criteria provided, single submitter. Criteria: Ambry Variant Classification Scheme 2023. Collection method: clinical testing. Allele origin: germline.
Comment: The c.192delA pathogenic mutation, located in coding exon 3 of the ATM gene, results from a deletion of one nucleotide at nucleotide position 192, causing a translational frameshift with a predicted alternate stop codon (p.L64Ffs*12). This alteration is expected to result in loss of function by premature protein truncation or nonsense-mediated mRNA decay. As such, this alteration is interpreted as a disease-causing mutation.

Women's Health and Genetics/Laboratory Corporation of America, LabCorp
Classification: Likely pathogenic for Ataxia-telangiectasia syndrome. Last evaluated: 2018-09-28. Review status: criteria provided, single submitter. Criteria: LabCorp Variant Classification Summary - May 2015. Collection method: clinical testing. Allele origin: germline.
Comment: Variant summary: ATM c.192delA (p.Leu64PhefsX12) results in a premature termination codon, predicted to cause a truncation of the encoded protein or absence of the protein due to nonsense mediated decay, which are commonly known mechanisms for disease. Truncations downstream of this position have been classified as pathogenic by our laboratory (eg. p.Glu73fsX26, p.Tyr171X, p.Tyr264fsX12). The variant was absent in 273852 control chromosomes. To our knowledge, no occurrence of c.192delA in individuals affected with Ataxia-Telangiectasia and no experimental evidence demonstrating its impact on protein function have been reported. Two clinical diagnostic laboratories have submitted clinical-significance assessments for this variant to ClinVar after 2014 without evidence for independent evaluation. All laboratories classified the variant as pathogenic/likely pathogenic. Based on the evidence outlined above, the variant was classified as likely pathogenic.

Counsyl
Classification: Likely pathogenic for Ataxia-telangiectasia syndrome. Last evaluated: 2016-06-30. Review status: no assertion criteria provided. Collection method: clinical testing. Allele origin: unknown. Not counted in ClinVar's aggregate classification.

Literature cited by the submitters: PubMed 23807571 (cited by Labcorp Genetics (formerly Invitae), Labcorp); PubMed 25614872 (cited by Labcorp Genetics (formerly Invitae), Labcorp).